The following is an entry in ClinVar:

ClinVar aggregate classification (germline): Uncertain significance (1 of 4 stars; one submission).

Conditions:
Emery-Dreifuss muscular dystrophy 4, autosomal dominant (EDMD4). Also called: EMERY-DREIFUSS MUSCULAR DYSTROPHY 4 WITH VARIABLE FEATURES. Identifiers: Orphanet 261, MedGen C2751807, MONDO:0013071, OMIM 612998.
Autosomal recessive ataxia, Beauce type. Also called: SYNE1-Related Autosomal Recessive Cerebellar Ataxia; SYNE1 Deficiency; Spinocerebellar ataxia, autosomal recessive 8; ATAXIA, RECESSIVE, OF BEAUCE. Identifiers: Orphanet 88644, MedGen C1853116, MONDO:0012549, OMIM 610743.

Submission:

Labcorp Genetics (formerly Invitae), Labcorp
Classification: Uncertain significance for Emery-Dreifuss muscular dystrophy 4, autosomal dominant; Autosomal recessive ataxia, Beauce type. Last evaluated: 2023-04-19. Review status: criteria provided, single submitter. Criteria: Invitae Variant Classification Sherloc (09022015). Collection method: clinical testing. Allele origin: germline.
Comment: In summary, the available evidence is currently insufficient to determine the role of this variant in disease. Therefore, it has been classified as a Variant of Uncertain Significance. An algorithm developed to predict the effect of missense changes on protein structure and function (PolyPhen-2) suggests that this variant is likely to be disruptive. ClinVar contains an entry for this variant (Variation ID: 1716309). This variant has not been reported in the literature in individuals affected with SYNE1-related conditions. This variant is not present in population databases (gnomAD no frequency). This sequence change replaces tryptophan, which is neutral and slightly polar, with arginine, which is basic and polar, at codon 8483 of the SYNE1 protein (p.Trp8483Arg).

NM_182961.4(SYNE1):c.25591T>A (p.Trp8531Arg)

Gene: SYNE1 (spectrin repeat containing nuclear envelope protein 1; minus strand). Cytogenetic location: 6q25.2.
Variant type: single nucleotide variant.
Coding change: c.25591T>A on transcript NM_182961.4 (MANE Select); coding-DNA position 25591, T replaced by A.
Protein change: p.Trp8531Arg; replaces tryptophan 8531 with arginine.
Molecular consequence: missense variant.
Genome position (GRCh38, 1-based): chr6:152,136,686, A>T on the plus strand (T>A on the coding strand, the complement: SYNE1 is on the minus strand). VCF-style: chr6-152136686-A-T. GRCh37 (hg19) VCF-style: chr6-152457821-A-T.
Other names: c.2197T>A, p.Trp733Arg (NM_001347701.2); c.2125T>A, p.Trp709Arg (NM_001347702.2); c.25447T>A, p.Trp8483Arg (NM_033071.5); short protein forms W709R, W733R, W8483R, W8531R.
Identifiers: ClinVar variation 1716309 (VCV001716309.5), dbSNP rs1446500253, ClinGen allele CA366078915.